The following is an entry in ClinVar:

NM_001080421.3(UNC13A):c.53-3_53-2del

Gene: UNC13A (unc-13 homolog A; minus strand). Cytogenetic location: 19p13.11.
Variant type: Microsatellite.
Coding change: c.53-3_53-2del on transcript NM_001080421.3 (MANE Select); 3 bases into the intron before coding-DNA position 53 through the canonical splice acceptor site of the intron before coding-DNA position 53, 2 bases deleted (CA; older notation c.53-3_53-2delCA).
Molecular consequence: splice acceptor variant.
Genome position (GRCh38, 1-based): chr19:17,674,758-17,674,759, TG deleted on the plus strand (CA on the coding strand, the reverse complement: UNC13A is on the minus strand); deleting any 2 consecutive bases within chr19:17,674,758-17,674,761 gives the same sequence; the c. name uses the placement nearest the transcript's 3' end. VCF-style (leftmost placement, unchanged base first): chr19-17674757-CTG-C. GRCh37 (hg19) VCF-style: chr19-17785566-CTG-C.
Other names: c.53-3_53-2del (NM_001387022.1, NM_001387023.1, NM_001387021.1).
Identifiers: ClinVar variation 3364720 (VCV003364720.2).

ClinVar aggregate classification (germline): Uncertain significance (1 of 4 stars; one submission).

Submission:

GeneDx
Classification: Uncertain significance. Last evaluated: 2025-02-13. Review status: criteria provided, single submitter. Criteria: GeneDx Variant Classification Process June 2021. Collection method: clinical testing. Allele origin: germline.
Comment: Canonical splice site variant in a gene or region of a gene for which loss of function is not a well-established mechanism of disease; Has not been previously published as pathogenic or benign to our knowledge